The following is an entry in ClinVar:

NM_001135651.3(EIF2AK2):c.1358G>A (p.Arg453Gln)

Gene: EIF2AK2 (eukaryotic translation initiation factor 2 alpha kinase 2; minus strand). Cytogenetic location: 2p22.2.
Variant type: single nucleotide variant.
Coding change: c.1358G>A on transcript NM_001135651.3 (MANE Select); coding-DNA position 1358, G replaced by A.
Protein change: p.Arg453Gln; replaces arginine 453 with glutamine.
Molecular consequence: missense variant.
Genome position (GRCh38, 1-based): chr2:37,114,750, C>T on the plus strand (G>A on the coding strand, the complement: EIF2AK2 is on the minus strand). VCF-style: chr2-37114750-C-T. GRCh37 (hg19) VCF-style: chr2-37341893-C-T.
Other names: c.1235G>A, p.Arg412Gln (NM_001135652.3); c.1358G>A, p.Arg453Gln (NM_002759.4); short protein forms R453Q, R412Q.
Identifiers: ClinVar variation 3692644 (VCV003692644.2).
Genomic context (GRCh38, chr2:37,114,750, plus strand): 5'-TAAAAGAAGTAAAATATAGACAGACAGGAAAGAGACCTTACCTGTTCTGGGCTCATGTAT[C>T]GCAAAGTTCCCTTACTCCTTGTTCGCTTTCCATCATTTTTCAGAGATGTTACAAGTCCAA-3'
Protein context (NP_001129123.1, residues 443-463): GKRTRSKGTL[Arg453Gln]YMSPEQISSQ

ClinVar aggregate classification (germline): Uncertain significance (1 of 4 stars; one submission).

gnomAD v4.1: 4 of 1,592,286 alleles (0.00025%); highest among the groups gnomAD compares: Admixed American, 0.0018%; no homozygotes.

Submission:

Labcorp Genetics (formerly Invitae), Labcorp
Classification: Uncertain significance. Last evaluated: 2024-06-02. Review status: criteria provided, single submitter. Criteria: Invitae Variant Classification Sherloc (09022015). Collection method: clinical testing. Allele origin: germline.
Comment: This sequence change replaces arginine, which is basic and polar, with glutamine, which is neutral and polar, at codon 453 of the EIF2AK2 protein (p.Arg453Gln). This variant is present in population databases (no rsID available, gnomAD 0.003%). This variant has not been reported in the literature in individuals affected with EIF2AK2-related conditions. Algorithms developed to predict the effect of missense changes on protein structure and function output the following: SIFT: "Not Available"; PolyPhen-2: "Possibly Damaging"; Align-GVGD: "Not Available". The glutamine amino acid residue is found in multiple mammalian species, which suggests that this missense change does not adversely affect protein function. In summary, the available evidence is currently insufficient to determine the role of this variant in disease. Therefore, it has been classified as a Variant of Uncertain Significance.